The following is an entry in ClinVar:

ClinVar aggregate classification (germline): Uncertain significance. Review status: criteria provided, multiple submitters, no conflicts (2 of 4 stars). 6 submissions from 6 submitters: Uncertain significance (6). Last evaluated 2025-12-11.

Conditions:
Pheochromocytoma. Also called: MAX-Related Hereditary Paraganglioma-Pheochromocytoma Syndrome. Identifiers: Orphanet 29072, MedGen C0031511, MONDO:0008233, OMIM 171300, HP:0002666.
Pheochromocytoma/paraganglioma syndrome 4. Also called: SDHB-Related Hereditary Paraganglioma-Pheochromocytoma Syndrome; Paragangliomas 4; CAROTID BODY TUMORS AND MULTIPLE EXTRAADRENAL PHEOCHROMOCYTOMAS; PARAGANGLIOMA, FAMILIAL MALIGNANT; PARAGANGLIOMAS, HEREDITARY EXTRAADRENAL; PHEOCHROMOCYTOMA, FAMILIAL EXTRAADRENAL. Identifiers: Orphanet 29072, MedGen C1861848, MONDO:0007273, OMIM 115310.
Gastrointestinal stromal tumor. Also called: Gastrointestinal stromal tumor, somatic; Gastrointestinal stroma tumor. Identifiers: Orphanet 44890, MedGen C0238198, MeSH D046152, MONDO:0011719, OMIM 606764, HP:0100723.
Hereditary cancer-predisposing syndrome. Also called: Neoplastic Syndromes, Hereditary; Hereditary Cancer Syndrome; Hereditary neoplastic syndrome; Tumor predisposition. Identifiers: Orphanet 140162, MedGen C0027672, MeSH D009386, MONDO:0015356.
Hereditary pheochromocytoma and paraganglioma. Also called: Hereditary Paraganglioma-Pheochromocytoma Syndromes; Hereditary pheochromocytoma-paraganglioma; Hereditary paragangliomas and pheochromocytomas. Identifiers: Orphanet 29072, MedGen C4274332, MONDO:0017366.

Allele frequency attached by ClinVar (database versions not stated): gnomAD exomes below 0.00001; ExAC 0.00001.
gnomAD v4.1: 4 of 1,613,886 alleles (0.00025%); highest among the groups gnomAD compares: Non-Finnish European, 0.00025%; no homozygotes.

Submissions (6):

Ambry Genetics
Classification: Uncertain significance for Hereditary cancer-predisposing syndrome. Last evaluated: 2025-12-11. Review status: criteria provided, single submitter. Criteria: Ambry Variant Classification Scheme 2023. Collection method: clinical testing. Allele origin: germline.
Comment: The p.K78R variant (also known as c.233A>G), located in coding exon 3 of the SDHB gene, results from an A to G substitution at nucleotide position 233. The lysine at codon 78 is replaced by arginine, an amino acid with highly similar properties. This variant was detected in SDHB-deficient paragangilioma of the urinary bladder from one individual; however, its origin (germline vs. somatic) could not be determined (Park S et al. Arch. Pathol. Lab. Med., 2017 May;141:671-677). This amino acid position is highly conserved in available vertebrate species. In addition, this alteration is predicted to be deleterious by in silico analysis. Since supporting evidence is limited at this time, the clinical significance of this alteration remains unclear.

Labcorp Genetics (formerly Invitae), Labcorp
Classification: Uncertain significance for Gastrointestinal stromal tumor; Pheochromocytoma/paraganglioma syndrome 4; Pheochromocytoma. Last evaluated: 2025-09-27. Review status: criteria provided, single submitter. Criteria: Invitae Variant Classification Sherloc (09022015). Collection method: clinical testing. Allele origin: germline.
Comment: This sequence change replaces lysine, which is basic and polar, with arginine, which is basic and polar, at codon 78 of the SDHB protein (p.Lys78Arg). This variant is present in population databases (rs774960237, gnomAD 0.0009%). This variant has not been reported in the literature in individuals affected with SDHB-related conditions. ClinVar contains an entry for this variant (Variation ID: 459140). Invitae Evidence Modeling of protein sequence and biophysical properties (such as structural, functional, and spatial information, amino acid conservation, physicochemical variation, residue mobility, and thermodynamic stability) indicates that this missense variant is not expected to disrupt SDHB protein function with a negative predictive value of 80%. In summary, the available evidence is currently insufficient to determine the role of this variant in disease. Therefore, it has been classified as a Variant of Uncertain Significance.

Color Diagnostics, LLC DBA Color Health
Classification: Uncertain significance for Hereditary pheochromocytoma and paraganglioma. Last evaluated: 2025-07-11. Review status: criteria provided, single submitter. Criteria: ACMG Guidelines, 2015. Collection method: clinical testing. Allele origin: germline.
Comment: This missense variant replaces lysine with arginine at codon 78 of the SDHB protein. Computational prediction is inconclusive regarding the impact of this variant on protein structure and function. To our knowledge, functional studies have not been reported for this variant. This variant has not been reported in individuals affected with SDHB-related disorders in the literature. This variant has been identified in 1/251340 chromosomes in the general population by the Genome Aggregation Database (gnomAD). The available evidence is insufficient to determine the role of this variant in disease conclusively. Therefore, this variant is classified as a Variant of Uncertain Significance.

Baylor Genetics
Classification: Uncertain significance for Gastrointestinal stromal tumor. Last evaluated: 2023-12-14. Review status: criteria provided, single submitter. Criteria: ACMG Guidelines, 2015. Collection method: clinical testing. Allele origin: unknown.

Blueprint Genetics
Classification: Uncertain significance. Last evaluated: 2023-09-21. Review status: criteria provided, single submitter. Criteria: ACMG Guidelines, 2015. Collection method: clinical testing. Allele origin: germline.

Sema4
Classification: Uncertain significance for Hereditary cancer-predisposing syndrome. Last evaluated: 2021-11-05. Review status: criteria provided, single submitter. Criteria: Sema4 Curation Guidelines. Collection method: curation. Allele origin: germline.
Comment: To the best of our knowledge, the SDHB c.233A>G (p.K78R) variant has not been reported in individuals with SDHB-related disease. It was observed in 1/251340 chromosomes across all populations, in the large and broad cohorts of the Genome Aggregation Database (PMID: 32461654). The variant has been reported in ClinVar (Variation ID: 459140). Functional studies have not been performed, and in silico predictions of the variant's effect on protein function are inconclusive. The evidence is insufficient to meet ACMG/AMP criteria for classifying the variant as benign or pathogenic. Thus, the clinical significance of this variant is currently uncertain.

Literature cited by the submitters: PubMed 27819762 (cited by Ambry Genetics).

NM_003000.3(SDHB):c.233A>G (p.Lys78Arg)

Gene: SDHB (succinate dehydrogenase complex iron sulfur subunit B; minus strand). Cytogenetic location: 1p36.13.
Variant type: single nucleotide variant.
Coding change: c.233A>G on transcript NM_003000.3 (MANE Select); coding-DNA position 233, A replaced by G.
Protein change: p.Lys78Arg; replaces lysine 78 with arginine.
Molecular consequence: missense variant.
Genome position (GRCh38, 1-based): chr1:17,033,113, T>C on the plus strand (A>G on the coding strand, the complement: SDHB is on the minus strand). VCF-style: chr1-17033113-T-C. GRCh37 (hg19) VCF-style: chr1-17359608-T-C.
Other names: short protein forms K78R.
Identifiers: ClinVar variation 459140 (VCV000459140.17), dbSNP rs774960237, ClinGen allele CA089550.
Genomic context (GRCh38, chr1:17,033,113, plus strand): 5'-TGCTCACCTTCTCTGCATGATCTTCGGAAGGTCAAAGTAGAGTCAACTTCATTCTTAATC[T>C]TGATTAAAGCATCCAATACCATGGGGCCACATCTAACAAAGAAAAATATCCAGTGGTATT-3'
Protein context (NP_002991.2, residues 68-88): CGPMVLDALI[Lys78Arg]IKNEVDSTLT